The following is an entry in ClinVar:

ClinVar aggregate classification (germline): Likely pathogenic (1 of 4 stars; one submission).

Conditions:
Hermansky-Pudlak syndrome (HPS). Also called: ALBINISM WITH HEMORRHAGIC DIATHESIS AND PIGMENTED RETICULOENDOTHELIAL CELLS. Identifiers: Orphanet 79430, MedGen C0079504, MONDO:0019312.

Submission:

Women's Health and Genetics/Laboratory Corporation of America, LabCorp
Classification: Likely pathogenic for Hermansky-Pudlak syndrome. Last evaluated: 2022-03-09. Review status: criteria provided, single submitter. Criteria: LabCorp Variant Classification Summary - May 2015. Collection method: clinical testing. Allele origin: germline.
Comment: Variant summary: HPS6 c.229_232delTCCC (p.Ser77ArgfsX149) results in a premature termination codon, predicted to cause a truncation of the encoded protein or absence of the protein due to nonsense mediated decay, which are commonly known mechanisms for disease. Truncations downstream of this position have been reported in HGMD in association with Hermansky-Pudlak syndrome 6. The variant was absent in 109008 control chromosomes. To our knowledge, no occurrence of c.229_232delTCCC in individuals affected with Hermansky-Pudlak Syndrome and no experimental evidence demonstrating its impact on protein function have been reported. No clinical diagnostic laboratories have submitted clinical-significance assessments for this variant to ClinVar after 2014. Based on the evidence outlined above, the variant was classified as likely pathogenic.

NM_024747.6(HPS6):c.229_232del (p.Ser77fs)

Genes: HPS6 (HPS6 biogenesis of lysosomal organelles complex 2 subunit 3; plus strand), LOC130004578 (ATAC-STARR-seq lymphoblastoid silent region 2738; plus strand). Cytogenetic location: 10q24.32.
Variant type: Deletion.
Coding change: c.229_232del on transcript NM_024747.6 (MANE Select); coding-DNA positions 229 to 232, 4 bases deleted (TCCC; older notation c.229_232delTCCC).
Protein change: p.Ser77fs; shifts the reading frame from serine 77.
Molecular consequence: frameshift variant.
Genome position (GRCh38, 1-based): chr10:102,065,703-102,065,706, TCCC deleted; deleting any 4 consecutive bases within chr10:102,065,700-102,065,706 gives the same sequence; the c. name uses the placement nearest the transcript's 3' end. VCF-style (leftmost placement, unchanged base first): chr10-102065699-GCCCT-G. GRCh37 (hg19) VCF-style: chr10-103825456-GCCCT-G.
Other names: short protein forms S77fs.
Identifiers: ClinVar variation 1677073 (VCV001677073.1), dbSNP rs2136333814, ClinGen allele CA2573145469.